The following is an entry in ClinVar:

NM_024675.4(PALB2):c.2857G>A (p.Asp953Asn)

Gene: PALB2 (partner and localizer of BRCA2; minus strand). Cytogenetic location: 16p12.2.
Variant type: single nucleotide variant.
Coding change: c.2857G>A on transcript NM_024675.4 (MANE Select); coding-DNA position 2857, G replaced by A.
Protein change: p.Asp953Asn; replaces aspartic acid 953 with asparagine.
Molecular consequence: missense variant.
Genome position (GRCh38, 1-based): chr16:23,623,108, C>T on the plus strand (G>A on the coding strand, the complement: PALB2 is on the minus strand). VCF-style: chr16-23623108-C-T. GRCh37 (hg19) VCF-style: chr16-23634429-C-T.
Other names: short protein forms D953N.
Identifiers: ClinVar variation 480244 (VCV000480244.14), dbSNP rs1555459584, ClinGen allele CA395144459.

ClinVar aggregate classification (germline): Uncertain significance. Review status: criteria provided, multiple submitters, no conflicts (2 of 4 stars). 2 submissions from 2 submitters: Uncertain significance (2). Last evaluated 2023-12-01.

Conditions:
Hereditary cancer-predisposing syndrome. Also called: Hereditary Cancer Syndrome; Neoplastic Syndromes, Hereditary; Tumor predisposition; Hereditary neoplastic syndrome. Identifiers: Orphanet 140162, MedGen C0027672, MeSH D009386, MONDO:0015356.
Familial cancer of breast. Also called: BREAST CANCER, FAMILIAL; Hereditary breast cancer; hereditary breast carcinoma. Identifiers: Orphanet 227535, MedGen C0346153, MONDO:0016419, OMIM 114480. Disease mechanism: loss of function.

Submissions (2):

Labcorp Genetics (formerly Invitae), Labcorp
Classification: Uncertain significance for Familial cancer of breast. Last evaluated: 2023-12-01. Review status: criteria provided, single submitter. Criteria: Invitae Variant Classification Sherloc (09022015). Collection method: clinical testing. Allele origin: germline.
Comment: This sequence change replaces aspartic acid, which is acidic and polar, with asparagine, which is neutral and polar, at codon 953 of the PALB2 protein (p.Asp953Asn). This variant is not present in population databases (gnomAD no frequency). This variant has not been reported in the literature in individuals affected with PALB2-related conditions. ClinVar contains an entry for this variant (Variation ID: 480244). Advanced modeling of protein sequence and biophysical properties (such as structural, functional, and spatial information, amino acid conservation, physicochemical variation, residue mobility, and thermodynamic stability) performed at Invitae indicates that this missense variant is not expected to disrupt PALB2 protein function with a negative predictive value of 80%. In summary, the available evidence is currently insufficient to determine the role of this variant in disease. Therefore, it has been classified as a Variant of Uncertain Significance.

Ambry Genetics
Classification: Uncertain significance for Hereditary cancer-predisposing syndrome. Last evaluated: 2016-03-22. Review status: criteria provided, single submitter. Criteria: Ambry Variant Classification Scheme 2023. Collection method: clinical testing. Allele origin: germline.
Comment: The p.D953N variant (also known as c.2857G>A), located in coding exon 9 of the PALB2 gene, results from a G to A substitution at nucleotide position 2857. The aspartic acid at codon 953 is replaced by asparagine, an amino acid with highly similar properties. This variant was not reported in population based cohorts in the following databases: Database of Single Nucleotide Polymorphisms (dbSNP), NHLBI Exome Sequencing Project (ESP), and 1000 Genomes Project. In the ESP, this variant was not observed in 6497 samples (12994 alleles) with coverage at this position. To date, this alteration has been detected with an allele frequency of approximately 0.001% (greater than 130000 alleles tested) in our clinical cohort. This amino acid position is not well conserved in available vertebrate species. In addition, this alteration is predicted to be tolerated by in silico analysis. Since supporting evidence is limited at this time, the clinical significance of this alteration remains unclear.